The following is an entry in ClinVar:

ClinVar aggregate classification (germline): Conflicting classifications of pathogenicity. Review status: criteria provided, conflicting classifications (1 of 4 stars). 2 submissions from 2 submitters: Uncertain significance (1); Likely benign (1). Last evaluated 2025-09-11.

Conditions:
Hypertrophic cardiomyopathy 26. Also called: Cardiomyopathy, familial hypertrophic, 26. Identifiers: Orphanet 75249, MedGen C4310749, MONDO:0014883, OMIM 617047.
Myofibrillar myopathy 5. Also called: FILAMINOPATHY, AUTOSOMAL DOMINANT; Filaminopathy (type). Identifiers: Orphanet 171445, MedGen C1836050, MONDO:0012289, OMIM 609524.
Distal myopathy with posterior leg and anterior hand involvement. Also called: WILLIAMS DISTAL MYOPATHY. Identifiers: Orphanet 63273, MedGen C3279722, MONDO:0013550, OMIM 614065.
Cardiovascular phenotype. Identifiers: MedGen CN230736.

Allele frequency attached by ClinVar (database versions not stated): gnomAD exomes below 0.00001 and 0.00002; TOPMed below 0.00001; ExAC 0.00001; gnomAD 0.00001.
gnomAD v4.1: 8 of 1,613,860 alleles (0.0005%); highest among the groups gnomAD compares: East Asian, 0.0089%; no homozygotes.

Submissions (2):

Labcorp Genetics (formerly Invitae), Labcorp
Classification: Likely benign for Distal myopathy with posterior leg and anterior hand involvement; Myofibrillar myopathy 5; Hypertrophic cardiomyopathy 26. Last evaluated: 2025-09-11. Review status: criteria provided, single submitter. Criteria: Invitae Variant Classification Sherloc (09022015). Collection method: clinical testing. Allele origin: germline.

Ambry Genetics
Classification: Uncertain significance for Cardiovascular phenotype. Last evaluated: 2025-03-13. Review status: criteria provided, single submitter. Criteria: Ambry Variant Classification Scheme 2023. Collection method: clinical testing. Allele origin: germline.
Comment: The p.I1660T variant (also known as c.4979T>C), located in coding exon 30 of the FLNC gene, results from a T to C substitution at nucleotide position 4979. The isoleucine at codon 1660 is replaced by threonine, an amino acid with similar properties. This amino acid position is conserved. In addition, this alteration is predicted to be tolerated by in silico analysis. Based on the available evidence, the clinical significance of this variant remains unclear.

NM_001458.5(FLNC):c.4979T>C (p.Ile1660Thr)

Gene: FLNC (filamin C; plus strand). Cytogenetic location: 7q32.1.
Variant type: single nucleotide variant.
Coding change: c.4979T>C on transcript NM_001458.5 (MANE Select); coding-DNA position 4979, T replaced by C.
Protein change: p.Ile1660Thr; replaces isoleucine 1660 with threonine.
Molecular consequence: missense variant.
Genome position (GRCh38, 1-based): chr7:128,849,358, T>C. VCF-style: chr7-128849358-T-C. GRCh37 (hg19) VCF-style: chr7-128489412-T-C.
Other names: c.4979T>C, p.Ile1660Thr (NM_001127487.2); c.4979T>C (NM_001458.4); short protein forms I1660T.
Identifiers: ClinVar variation 1016860 (VCV001016860.11), dbSNP rs750254727, ClinGen allele CA4475535.
Genomic context (GRCh38, chr7:128,849,358, plus strand): 5'-CCAGCTCCCTGAGCAGGATCTCCCGCATGGCAGGTGCCTGCCTGGGCCCTCGAATCCAGA[T>C]TGGGCAGGAGACGGTGATCACGGTGGATGCCAAGGCAGCCGGTGAGGGGAAGGTGACATG-3'
Protein context (NP_001449.3, residues 1650-1670): LGACLGPRIQ[Ile1660Thr]GQETVITVDA